The following is an entry in ClinVar:

NM_020822.3(KCNT1):c.2523-4A>G

Gene: KCNT1 (potassium sodium-activated channel subfamily T member 1; plus strand). Cytogenetic location: 9q34.3.
Variant type: single nucleotide variant.
Coding change: c.2523-4A>G on transcript NM_020822.3 (MANE Select); 4 bases into the intron before coding-DNA position 2523, A replaced by G.
Molecular consequence: intron variant.
Genome position (GRCh38, 1-based): chr9:135,778,420, A>G. VCF-style: chr9-135778420-A-G. GRCh37 (hg19) VCF-style: chr9-138670266-A-G.
Other names: c.2388-4A>G (NM_001272003.2).
Identifiers: ClinVar variation 2571347 (VCV002571347.27), dbSNP rs2491033876, ClinGen allele CA2580617146.

ClinVar aggregate classification (germline): Uncertain significance (1 of 4 stars; one submission).

Submission:

CeGaT Center for Human Genetics Tuebingen
Classification: Uncertain significance. Last evaluated: 2023-05-01. Review status: criteria provided, single submitter. Criteria: CeGaT Center For Human Genetics Tuebingen Variant Classification Criteria Version 2. Collection method: clinical testing. Allele origin: germline. Affected: yes. Observed: 1 variant allele.
Comment: KCNT1: PM2, BP4